The following is an entry in ClinVar:

ClinVar aggregate classification (germline): Benign. Review status: reviewed by expert panel (3 of 4 stars). 17 submissions from 17 submitters: Benign (1). 16 of the submissions do not count toward it. Last evaluated 2025-11-11.

Conditions:
MYH7-related skeletal myopathy. Also called: Myopathy, distal, 1; Laing distal myopathy; Laing early-onset distal myopathy; MYOPATHY, DISTAL, EARLY-ONSET, AUTOSOMAL DOMINANT; MYOPATHY, LATE DISTAL HEREDITARY. Identifiers: Orphanet 59135, MedGen C4552004, MONDO:0008050, OMIM 160500.
Myopathy, myosin storage, autosomal recessive (CMYO7B). Also called: CONGENITAL MYOPATHY 7B, MYOSIN STORAGE, AUTOSOMAL RECESSIVE. Identifiers: Orphanet 636970, MedGen C1850709, MONDO:0009708, OMIM 255160.
Myosin storage myopathy (CMYO7A). Also called: MYOPATHY WITH LYSIS OF TYPE I MYOFIBRILS; MYOPATHY, HYALINE BODY, AUTOSOMAL DOMINANT; MYH7-related late-onset scapuloperoneal muscular dystrophy; Congenital myopathy 7A, myosin storage, autosomal dominant; SCAPULOPERONEAL MUSCULAR DYSTROPHY; SCAPULOPERONEAL SYNDROME, MYOPATHIC TYPE. Identifiers: Orphanet 437572, Orphanet 636965, MedGen C1842160, MONDO:0008409, OMIM 608358.
Dilated cardiomyopathy 1S (CMD1S). Identifiers: Orphanet 154, Orphanet 54260, MedGen C1834481, MONDO:0013262, OMIM 613426.
Hypertrophic cardiomyopathy 1 (CMH1). Also called: MYH7-Related Familial Hypertrophic Cardiomyopathy; Familial hypertrophic cardiomyopathy 1. Identifiers: MedGen C3495498, MONDO:0008647, OMIM 192600.
Congenital myopathy with fiber type disproportion. Also called: Congenital fiber-type disproportion; Congenital fiber-type disproportion myopathy. Identifiers: Orphanet 2020, MedGen C0546264, MONDO:0009711. Inheritance: all.
Cardiomyopathy (CMYO). Also called: Cardiomyopathies. Identifiers: Orphanet 167848, MedGen C0878544, MONDO:0004994, HP:0001638. Inheritance: Various modes of inheritance.
Hypertrophic cardiomyopathy. Also called: HYPERTROPHIC MYOCARDIOPATHY. Identifiers: Orphanet 217569, MedGen C0007194, MeSH D002312, MONDO:0005045, HP:0001639.

Allele frequency attached by ClinVar (database versions not stated): gnomAD exomes 0.00041 and 0.00119; ExAC 0.00137; gnomAD 0.00429 and 0.00469; 1000 Genomes Project 0.00439; 1000 Genomes Project 30x 0.00468; ESP Exome Variant Server 0.00515; TOPMed 0.00525.
gnomAD v4.1: 1,277 of 1,614,088 alleles (0.079%); highest among the groups gnomAD compares: African/African-American, 1.5%; 14 homozygotes.

Submissions (17):

ClinGen Cardiomyopathy Variant Curation Expert Panel
Classification: Benign for Hypertrophic cardiomyopathy. Last evaluated: 2025-11-11. Review status: reviewed by expert panel. Criteria: ClinGen CMP ACMG Specifications v1. Collection method: curation. Allele origin: germline. Inheritance: Autosomal dominant inheritance.
Comment: The filtering allele frequency of the c.3864C>G (p.Ser1288=) variant in the MYH7 gene is 1.33% (159/10404) of African chromosomes by the Exome Aggregation Consortium, which is a high enough frequency to be classified as benign based on thresholds defined by the ClinGen Inherited Cardiomyopathy Expert Panel (BA1; PMID:29300372).

Labcorp Genetics (formerly Invitae), Labcorp
Classification: Benign for Hypertrophic cardiomyopathy. Last evaluated: 2026-02-03. Review status: criteria provided, single submitter. Criteria: Invitae Variant Classification Sherloc (09022015). Collection method: clinical testing. Allele origin: germline. Not counted in ClinVar's aggregate classification.

ARUP Laboratories, Molecular Genetics and Genomics, ARUP Laboratories
Classification: Benign. Last evaluated: 2025-05-18. Review status: criteria provided, single submitter. Criteria: ARUP Molecular Germline Variant Investigation Process 2024. Collection method: clinical testing. Allele origin: germline. Not counted in ClinVar's aggregate classification.

Blueprint Genetics
Classification: Likely benign. Last evaluated: 2024-10-17. Review status: criteria provided, single submitter. Criteria: ACMG Guidelines, 2015. Collection method: clinical testing. Allele origin: germline. Not counted in ClinVar's aggregate classification.

All of Us Research Program, National Institutes of Health
Classification: Benign for Cardiomyopathy. Last evaluated: 2024-02-05. Review status: criteria provided, single submitter. Criteria: ACMG Guidelines, 2015. Collection method: clinical testing. Allele origin: germline. Inheritance: Autosomal dominant inheritance. Observed: 278 variant alleles, 278 heterozygotes. Not counted in ClinVar's aggregate classification.
Comment: This study involves interpretation of variants in research participants for the purpose of population health screening. Participant phenotype was not available at the time of variant classification. Additional details can be found in publication PMID: 35346344, PMCID: PMC8962531

Cohesion Phenomics
Classification: Benign for Hypertrophic Cardiomyopathy. Last evaluated: 2022-10-10. Review status: criteria provided, single submitter. Criteria: ACMG Guidelines, 2015. Collection method: clinical testing. Allele origin: germline. Affected: yes. Not counted in ClinVar's aggregate classification.

Fulgent Genetics
Classification: Likely benign for MYH7-related skeletal myopathy; Myosin storage myopathy; Hypertrophic cardiomyopathy 1; Myopathy, myosin storage, autosomal recessive; Congenital myopathy 4A, autosomal dominant; Dilated cardiomyopathy 1S. Last evaluated: 2021-07-26. Review status: criteria provided, single submitter. Criteria: ACMG Guidelines, 2015. Collection method: clinical testing. Allele origin: unknown. Not counted in ClinVar's aggregate classification.

Molecular Diagnostic Laboratory for Inherited Cardiovascular Disease, Montreal Heart Institute
Classification: Benign. Last evaluated: 2020-05-30. Review status: criteria provided, single submitter. Criteria: ACMG Guidelines, 2015. Collection method: clinical testing. Allele origin: germline. Affected: yes. Not counted in ClinVar's aggregate classification.

Color Diagnostics, LLC DBA Color Health
Classification: Benign for Cardiomyopathy. Last evaluated: 2018-03-07. Review status: criteria provided, single submitter. Criteria: ACMG Guidelines, 2015. Collection method: clinical testing. Allele origin: germline. Not counted in ClinVar's aggregate classification.

Mayo Clinic Laboratories, Mayo Clinic
Classification: Benign. Last evaluated: 2014-05-12. Review status: criteria provided, single submitter. Criteria: ACMG Guidelines, 2015. Collection method: clinical testing. Allele origin: germline. Observed: 5 variant alleles. Not counted in ClinVar's aggregate classification.

GeneDx
Classification: Benign. Last evaluated: 2011-06-27. Review status: criteria provided, single submitter. Criteria: GeneDx Variant Classification (06012015). Collection method: clinical testing. Allele origin: germline. Affected: yes. Not counted in ClinVar's aggregate classification.
Comment: This variant is considered likely benign or benign based on one or more of the following criteria: it is a conservative change, it occurs at a poorly conserved position in the protein, it is predicted to be benign by multiple in silico algorithms, and/or has population frequency not consistent with disease.

Laboratory for Molecular Medicine, Mass General Brigham Personalized Medicine
Classification: Benign. Last evaluated: 2008-01-24. Review status: criteria provided, single submitter. Criteria: LMM Criteria. Collection method: clinical testing. Allele origin: germline. Observed: 28 variant alleles. Not counted in ClinVar's aggregate classification.

Breakthrough Genomics
Classification: Benign. Review status: criteria provided, single submitter. Criteria: ACMG Guidelines, 2015. Collection method: not provided. Allele origin: germline. Inheritance: Autosomal recessive inheritance. Affected: yes. Not counted in ClinVar's aggregate classification.

PreventionGenetics, part of Exact Sciences
Classification: Benign. Review status: criteria provided, single submitter. Criteria: ACMG Guidelines, 2015. Collection method: clinical testing. Allele origin: germline. Not counted in ClinVar's aggregate classification.

Clinical Genetics DNA and cytogenetics Diagnostics Lab, Erasmus MC, Erasmus Medical Center
Classification: Benign. Review status: no assertion criteria provided. Collection method: clinical testing. Allele origin: germline. Affected: yes. Study: VKGL Data-share Consensus. Not counted in ClinVar's aggregate classification.

Clinical Genetics, Academic Medical Center
Classification: Benign. Review status: no assertion criteria provided. Collection method: clinical testing. Allele origin: germline. Affected: yes. Study: VKGL Data-share Consensus. Not counted in ClinVar's aggregate classification.

Joint Genome Diagnostic Labs from Nijmegen and Maastricht, Radboudumc and MUMC+
Classification: Benign. Review status: no assertion criteria provided. Collection method: clinical testing. Allele origin: germline. Affected: yes. Study: VKGL Data-share Consensus. Not counted in ClinVar's aggregate classification.

Literature cited by the submitters: PubMed 29300372 (cited by ClinGen Cardiomyopathy Variant Curation Expert Panel).

NM_000257.4(MYH7):c.3864C>G (p.Ser1288=)

Gene: MYH7 (myosin heavy chain 7; minus strand). Cytogenetic location: 14q11.2.
Variant type: single nucleotide variant.
Coding change: c.3864C>G on transcript NM_000257.4 (MANE Select); coding-DNA position 3864, C replaced by G.
Protein change: p.Ser1288=; no amino-acid change (serine 1288 retained).
Molecular consequence: synonymous variant.
Genome position (GRCh38, 1-based): chr14:23,419,285, G>C on the plus strand (C>G on the coding strand, the complement: MYH7 is on the minus strand). VCF-style: chr14-23419285-G-C. GRCh37 (hg19) VCF-style: chr14-23888494-G-C.
Other names: p.S1288S:TCC>TCG; NM_000257.3(MYH7):c.3864C>G.
Identifiers: ClinVar variation 42979 (VCV000042979.36), dbSNP rs45501694, ClinGen allele CA014192.